The following is an entry in ClinVar:

ClinVar aggregate classification (germline): Uncertain significance (3 of 4 stars; one submission).

Conditions:
Hereditary thrombocytopenia and hematologic cancer predisposition syndrome. Identifiers: Orphanet 71290, MedGen CN281654, MONDO:0011071.

Submission:

ClinGen Myeloid Malignancy Variant Curation Expert Panel
Classification: Uncertain significance for Hereditary thrombocytopenia and hematologic cancer predisposition syndrome. Last evaluated: 2024-08-12. Review status: reviewed by expert panel. Criteria: ClinGen MyeloMalig ACMG Specifications v2. Collection method: curation. Allele origin: germline. Inheritance: Autosomal dominant inheritance.
Comment: NM_001754.5(RUNX1):c.1243C>G (p.Gln415Glu) is a missense variant which is absent from gnomAD v2 and v3 (PM2_Supporting). The computational predictor REVEL gives a score of 0.322, and the splice site predictor SpliceAI indicated no impact on splicing, evidence that does not predict a damaging effect on RUNX1 function (BP4). In summary, this variant meets the criteria to be classified as a VUS for autosomal dominant hereditary thrombocytopenia and hematologic cancer predisposition syndrome based on the ACMG/AMP criteria applied, as specified by the ClinGen Myeloid Malignancy VCEP: PM2_Supporting and BP4.

NM_001754.5(RUNX1):c.1243C>G (p.Gln415Glu)

Gene: RUNX1 (RUNX family transcription factor 1; minus strand). Cytogenetic location: 21q22.12.
Variant type: single nucleotide variant.
Coding change: c.1243C>G on transcript NM_001754.5 (MANE Select); coding-DNA position 1243, C replaced by G.
Protein change: p.Gln415Glu; replaces glutamine 415 with glutamic acid.
Molecular consequence: missense variant.
Genome position (GRCh38, 1-based): chr21:34,792,335, G>C on the plus strand (C>G on the coding strand, the complement: RUNX1 is on the minus strand). VCF-style: chr21-34792335-G-C. GRCh37 (hg19) VCF-style: chr21-36164632-G-C.
Other names: NM_001754.5:c.1243C>G; c.1162C>G, p.Gln388Glu (NM_001001890.3); short protein forms Q388E, Q415E.
Identifiers: ClinVar variation 3336847 (VCV003336847.2).